The following is an entry in ClinVar:

NM_006904.7(PRKDC):c.2912G>A (p.Arg971Gln)

Gene: PRKDC (protein kinase, DNA-activated, catalytic subunit; minus strand). Cytogenetic location: 8q11.21.
Variant type: single nucleotide variant.
Coding change: c.2912G>A on transcript NM_006904.7 (MANE Select); coding-DNA position 2912, G replaced by A.
Protein change: p.Arg971Gln; replaces arginine 971 with glutamine.
Molecular consequence: missense variant.
Genome position (GRCh38, 1-based): chr8:47,912,432, C>T on the plus strand (G>A on the coding strand, the complement: PRKDC is on the minus strand). VCF-style: chr8-47912432-C-T. GRCh37 (hg19) VCF-style: chr8-48824992-C-T.
Other names: c.2912G>A, p.Arg971Gln (NM_001081640.2); short protein forms R971Q.
Identifiers: ClinVar variation 2453207 (VCV002453207.2), dbSNP rs528650708, ClinGen allele CA4741333.

ClinVar aggregate classification (germline): Uncertain significance (1 of 4 stars; one submission).

Allele frequency attached by ClinVar (database versions not stated): TOPMed 0.00002; ExAC 0.00003; gnomAD 0.00003; 1000 Genomes Project 30x 0.00016; 1000 Genomes Project 0.00020.
gnomAD v4.1: 46 of 1,595,692 alleles (0.0029%); highest among the groups gnomAD compares: Non-Finnish European, 0.0036%; no homozygotes.

Submission:

Ambry Genetics
Classification: Uncertain significance. Last evaluated: 2022-12-23. Review status: criteria provided, single submitter. Criteria: Ambry Variant Classification Scheme 2023. Collection method: clinical testing. Allele origin: germline.
Comment: The p.R971Q variant (also known as c.2912G>A), located in coding exon 25 of the PRKDC gene, results from a G to A substitution at nucleotide position 2912. The arginine at codon 971 is replaced by glutamine, an amino acid with highly similar properties. This amino acid position is conserved. In addition, this alteration is predicted to be tolerated by in silico analysis. Since supporting evidence is limited at this time, the clinical significance of this alteration remains unclear.